The following is an entry in ClinVar:

ClinVar aggregate classification (germline): Uncertain significance (1 of 4 stars; one submission).

Submission:

Labcorp Genetics (formerly Invitae), Labcorp
Classification: Uncertain significance. Last evaluated: 2022-03-28. Review status: criteria provided, single submitter. Criteria: Invitae Variant Classification Sherloc (09022015). Collection method: clinical testing. Allele origin: germline.
Comment: In summary, the available evidence is currently insufficient to determine the role of this variant in disease. Therefore, it has been classified as a Variant of Uncertain Significance. Algorithms developed to predict the effect of sequence changes on RNA splicing suggest that this variant may create or strengthen a splice site. Algorithms developed to predict the effect of missense changes on protein structure and function (SIFT, PolyPhen-2, Align-GVGD) all suggest that this variant is likely to be tolerated. This variant has not been reported in the literature in individuals affected with SEMA4A-related conditions. This variant is not present in population databases (gnomAD no frequency). This sequence change replaces valine, which is neutral and non-polar, with leucine, which is neutral and non-polar, at codon 640 of the SEMA4A protein (p.Val640Leu).

NM_022367.4(SEMA4A):c.1918G>T (p.Val640Leu)

Gene: SEMA4A (semaphorin 4A; plus strand). Cytogenetic location: 1q22.
Variant type: single nucleotide variant.
Coding change: c.1918G>T on transcript NM_022367.4 (MANE Select); coding-DNA position 1918, G replaced by T.
Protein change: p.Val640Leu; replaces valine 640 with leucine.
Molecular consequence: missense variant.
Genome position (GRCh38, 1-based): chr1:156,176,629, G>T. VCF-style: chr1-156176629-G-T. GRCh37 (hg19) VCF-style: chr1-156146420-G-T.
Other names: c.1918G>T, p.Val640Leu (NM_001193300.2, NM_001193301.2, NM_001370567.1); c.1522G>T, p.Val508Leu (NM_001193302.2); c.1621G>T, p.Val541Leu (NM_001370568.1); c.1411G>T, p.Val471Leu (NM_001370569.1, NM_001370571.1); short protein forms V508L, V640L, V471L, V541L.
Identifiers: ClinVar variation 1478017 (VCV001478017.6), dbSNP rs1451078558, ClinGen allele CA342812725.